The following is an entry in ClinVar:

NM_032043.3(BRIP1):c.592C>A (p.Pro198Thr)

Gene: BRIP1 (BRCA1 interacting DNA helicase 1; minus strand). Cytogenetic location: 17q23.2.
Variant type: single nucleotide variant.
Coding change: c.592C>A on transcript NM_032043.3 (MANE Select); coding-DNA position 592, C replaced by A.
Protein change: p.Pro198Thr; replaces proline 198 with threonine.
Molecular consequence: missense variant.
Genome position (GRCh38, 1-based): chr17:61,847,136, G>T on the plus strand (C>A on the coding strand, the complement: BRIP1 is on the minus strand). VCF-style: chr17-61847136-G-T. GRCh37 (hg19) VCF-style: chr17-59924497-G-T.
Other names: short protein forms P198T.
Identifiers: ClinVar variation 2930963 (VCV002930963.3), dbSNP rs2145742650, ClinGen allele CA400482950.
Genomic context (GRCh38, chr17:61,847,136, plus strand): 5'-ACTGAACAATGGCATTAATACATACTTTCTGTGGCGAAAAGGAGTTTATCTTTTCCAGTG[G>T]AGAGTTGAGTTTTACAGTCTTTCCTGAATCAACTTTTGCATCCAAATTGTGTACTTCTGT-3'
Protein context (NP_114432.2, residues 188-208): DSGKTVKLNS[Pro198Thr]LEKINSFSPQ

ClinVar aggregate classification (germline): Uncertain significance (1 of 4 stars; one submission).

Conditions:
Fanconi anemia complementation group J. Also called: BRIP1-Related Fanconi Anemia. Identifiers: Orphanet 84, MedGen C1836860, MONDO:0012187, OMIM 609054.
Familial cancer of breast. Also called: Hereditary breast cancer; hereditary breast carcinoma; BREAST CANCER, FAMILIAL. Identifiers: Orphanet 227535, MedGen C0346153, MONDO:0016419, OMIM 114480. Disease mechanism: loss of function.

Submission:

Labcorp Genetics (formerly Invitae), Labcorp
Classification: Uncertain significance for Familial cancer of breast; Fanconi anemia complementation group J. Last evaluated: 2023-08-24. Review status: criteria provided, single submitter. Criteria: Invitae Variant Classification Sherloc (09022015). Collection method: clinical testing. Allele origin: germline.
Comment: In summary, the available evidence is currently insufficient to determine the role of this variant in disease. Therefore, it has been classified as a Variant of Uncertain Significance. Advanced modeling of protein sequence and biophysical properties (such as structural, functional, and spatial information, amino acid conservation, physicochemical variation, residue mobility, and thermodynamic stability) performed at Invitae indicates that this missense variant is not expected to disrupt BRIP1 protein function. This variant has not been reported in the literature in individuals affected with BRIP1-related conditions. This variant is not present in population databases (gnomAD no frequency). This sequence change replaces proline, which is neutral and non-polar, with threonine, which is neutral and polar, at codon 198 of the BRIP1 protein (p.Pro198Thr).